The following is an entry in ClinVar:

ClinVar aggregate classification (germline): Uncertain significance (1 of 4 stars; one submission).

Conditions:
Inborn genetic diseases. Identifiers: MedGen C0950123, MeSH D030342.

Submission:

Ambry Genetics
Classification: Uncertain significance for Inborn genetic diseases. Last evaluated: 2022-04-28. Review status: criteria provided, single submitter. Criteria: Ambry Variant Classification Scheme 2023. Collection method: clinical testing. Allele origin: germline.
Comment: The c.3858+3A>G intronic alteration results from an A to G substitution 3 nucleotides after exon 18 (coding exon 17) of the SPTBN1 gene. This variant was not reported in population-based cohorts in the Genome Aggregation Database (gnomAD). This nucleotide position is well conserved in available vertebrate species. In silico splice site analysis predicts that this alteration will not have any significant effect on splicing. Based on insufficient or conflicting evidence, the clinical significance of this alteration remains unclear.

NM_003128.3(SPTBN1):c.3858+3A>G

Gene: SPTBN1 (spectrin beta, non-erythrocytic 1; plus strand). Cytogenetic location: 2p16.2.
Variant type: single nucleotide variant.
Coding change: c.3858+3A>G on transcript NM_003128.3 (MANE Select); 3 bases into the intron after coding-DNA position 3858, A replaced by G.
Molecular consequence: intron variant.
Genome position (GRCh38, 1-based): chr2:54,637,806, A>G. VCF-style: chr2-54637806-A-G. GRCh37 (hg19) VCF-style: chr2-54864943-A-G.
Other names: c.3819+3A>G (NM_178313.3).
Identifiers: ClinVar variation 2283305 (VCV002283305.2), dbSNP rs2549543053, ClinGen allele CA2580067302.